The following is an entry in ClinVar:

NM_005061.3(RPL3L):c.345_350del (p.Arg116_Arg117del)

Gene: RPL3L (ribosomal protein L3 like; minus strand). Cytogenetic location: 16p13.3.
Variant type: Deletion.
Coding change: c.345_350del on transcript NM_005061.3 (MANE Select); coding-DNA positions 345 to 350, 6 bases deleted (GCGCCG; older notation c.345_350delGCGCCG).
Protein change: p.Arg116_Arg117del.
Genome position (GRCh38, 1-based): chr16:1,952,889-1,952,894, CGGCGC deleted on the plus strand (GCGCCG on the coding strand, the reverse complement: RPL3L is on the minus strand); deleting any 6 consecutive bases within chr16:1,952,889-1,952,898 gives the same sequence; the c. name uses the placement nearest the transcript's 3' end. VCF-style (leftmost placement, unchanged base first): chr16-1952888-TCGGCGC-T. GRCh37 (hg19) VCF-style: chr16-2002889-TCGGCGC-T.
Identifiers: ClinVar variation 3373146 (VCV003373146.2).

ClinVar aggregate classification (germline): Uncertain significance (1 of 4 stars; one submission).

Submission:

GeneDx
Classification: Uncertain significance. Last evaluated: 2026-08-22. Review status: criteria provided, single submitter. Criteria: GeneDx Variant Classification Process June 2021. Collection method: clinical testing. Allele origin: germline.
Comment: Not observed at significant frequency in large population cohorts (gnomAD); In-frame deletion of 2 amino acid(s) in a non-repeat region; In silico analysis suggests that this variant does not alter protein structure/function; Has not been previously published as pathogenic or benign to our knowledge